The following is an entry in ClinVar:

NC_000023.11:g.(?_41853095)_(41853247_?)del

Gene: CASK (calcium/calmodulin dependent serine protein kinase; minus strand). Cytogenetic location: Xp11.4.
Variant type: Deletion.
Identifiers: ClinVar variation 653532 (VCV000653532.7).

ClinVar aggregate classification (germline): Pathogenic (1 of 4 stars; one submission).

Conditions:
Intellectual disability, CASK-related, X-linked. Identifiers: MedGen CN043158.

Submission:

Labcorp Genetics (formerly Invitae), Labcorp
Classification: Pathogenic for Intellectual disability, CASK-related, X-linked. Last evaluated: 2018-07-15. Review status: criteria provided, single submitter. Criteria: Invitae Variant Classification Sherloc (09022015). Collection method: clinical testing. Allele origin: germline.
Comment: This variant has been reported in an individual affected with Ohtahara syndrome and cerebellar hypoplasia (PMID:¬†22709267). This variant is an out-of-frame deletion of the genomic region encompassing exon 2 of the CASK gene. This is expected to create a premature translational stop signal and result in an absent or disrupted protein product. Loss-of-function variants in CASK are known to be pathogenic (PMID: 19165920, 20029458, 21954287, 22452838, 22709267). For these reasons, this variant has been classified as Pathogenic.

Literature cited by the submitters: PubMed 19165920; PubMed 20029458; PubMed 21954287; PubMed 22452838; PubMed 22709267.